The following is an entry in ClinVar:

ClinVar aggregate classification (germline): Uncertain significance (1 of 4 stars; one submission).

Submission:

Labcorp Genetics (formerly Invitae), Labcorp
Classification: Uncertain significance. Last evaluated: 2025-11-23. Review status: criteria provided, single submitter. Criteria: Invitae Variant Classification Sherloc (09022015). Collection method: clinical testing. Allele origin: germline.
Comment: This sequence change replaces glutamine, which is neutral and polar, with glutamic acid, which is acidic and polar, at codon 1782 of the TAF1 protein (p.Gln1782Glu). This variant is not present in population databases (gnomAD no frequency). This variant has not been reported in the literature in individuals affected with TAF1-related conditions. Invitae Evidence Modeling of protein sequence and biophysical properties (such as structural, functional, and spatial information, amino acid conservation, physicochemical variation, residue mobility, and thermodynamic stability) indicates that this missense variant is not expected to disrupt TAF1 protein function with a negative predictive value of 95%. In summary, the available evidence is currently insufficient to determine the role of this variant in disease. Therefore, it has been classified as a Variant of Uncertain Significance.

NM_004606.5(TAF1):c.5284C>G (p.Gln1762Glu)

Gene: TAF1 (TATA-box binding protein associated factor 1; plus strand). Cytogenetic location: Xq13.1.
Variant type: single nucleotide variant.
Coding change: c.5284C>G on transcript NM_004606.5 (MANE Select); coding-DNA position 5284, C replaced by G.
Protein change: p.Gln1762Glu; replaces glutamine 1762 with glutamic acid.
Molecular consequence: missense variant. On other transcripts: non-coding transcript variant (9).
Genome position (GRCh38, 1-based): chrX:71,460,688, C>G. VCF-style: chrX-71460688-C-G. GRCh37 (hg19) VCF-style: chrX-70680538-C-G.
Other names: c.5290C>G, p.Gln1764Glu (NM_001286074.2); c.5386C>G, p.Gln1796Glu (NM_001440852.1); c.5284C>G, p.Gln1762Glu (NM_001440853.1); c.5221C>G, p.Gln1741Glu (NM_001440854.1, NM_138923.4); short protein forms Q1764E, Q1762E, Q1796E, Q1741E.
Identifiers: ClinVar variation 4737651 (VCV004737651.1).